The following is an entry in ClinVar:

NM_004260.4(RECQL4):c.2058+6T>C

Gene: RECQL4 (RecQ like helicase 4; minus strand). Cytogenetic location: 8q24.3.
Variant type: single nucleotide variant.
Coding change: c.2058+6T>C on transcript NM_004260.4 (MANE Select); 6 bases into the intron after coding-DNA position 2058, T replaced by C.
Molecular consequence: intron variant.
Genome position (GRCh38, 1-based): chr8:144,513,922, A>G on the plus strand (T>C on the coding strand, the complement: RECQL4 is on the minus strand). VCF-style: chr8-144513922-A-G. GRCh37 (hg19) VCF-style: chr8-145739306-A-G.
Identifiers: ClinVar variation 1407265 (VCV001407265.6), dbSNP rs759290373, ClinGen allele CA4948532.

ClinVar aggregate classification (germline): Uncertain significance (1 of 4 stars; one submission).

Conditions:
Baller-Gerold syndrome (BGS). Also called: CRANIOSYNOSTOSIS WITH RADIAL DEFECTS. Identifiers: Orphanet 1225, MedGen C0265308, MONDO:0009039, OMIM 218600.

Allele frequency attached by ClinVar (database versions not stated): gnomAD 0.00005; ExAC 0.00006; gnomAD exomes 0.00015.
gnomAD v4.1: 83 of 1,551,552 alleles (0.0053%); highest among the groups gnomAD compares: Non-Finnish European, 0.0011%; no homozygotes.

Submission:

Labcorp Genetics (formerly Invitae), Labcorp
Classification: Uncertain significance for Baller-Gerold syndrome. Last evaluated: 2025-09-15. Review status: criteria provided, single submitter. Criteria: Invitae Variant Classification Sherloc (09022015). Collection method: clinical testing. Allele origin: germline.
Comment: This sequence change falls in intron 12 of the RECQL4 gene. It does not directly change the encoded amino acid sequence of the RECQL4 protein. It affects a nucleotide within the consensus splice site. This variant is present in population databases (rs759290373, gnomAD 0.1%). This variant has not been reported in the literature in individuals affected with RECQL4-related conditions. ClinVar contains an entry for this variant (Variation ID: 1407265). Variants that disrupt the consensus splice site are a relatively common cause of aberrant splicing (PMID: 17576681, 9536098). Algorithms developed to predict the effect of sequence changes on RNA splicing suggest that this variant is not likely to affect RNA splicing. In summary, the available evidence is currently insufficient to determine the role of this variant in disease. Therefore, it has been classified as a Variant of Uncertain Significance.

Literature cited by the submitters: PubMed 17576681; PubMed 9536098.